The following is an entry in ClinVar:

ClinVar aggregate classification (germline): Likely benign. Review status: reviewed by expert panel (3 of 4 stars). 7 submissions from 7 submitters: Likely benign (1). 6 of the submissions do not count toward it. Last evaluated 2017-06-29.

Conditions:
BRCA1-related disorder. Also called: BRCA1-related condition.
Hereditary cancer-predisposing syndrome. Also called: Hereditary Cancer Syndrome; Hereditary neoplastic syndrome; Tumor predisposition; Neoplastic Syndromes, Hereditary. Identifiers: Orphanet 140162, MedGen C0027672, MeSH D009386, MONDO:0015356.
Hereditary breast ovarian cancer syndrome. Also called: Hereditary breast and ovarian cancer syndrome; Hereditary breast and ovarian cancer syndrome (HBOC); BRCA1- and BRCA2-Associated Hereditary Breast and Ovarian Cancer; Breast and ovarian cancer; Hereditary breast and ovarian cancer; Hereditary breast and/or ovarian cancer syndrome. Identifiers: Orphanet 145, MedGen C0677776, MeSH D061325, MONDO:0003582. Disease mechanism: loss of function.
Breast-ovarian cancer, familial, susceptibility to, 1 (BROVCA1). Also called: OVARIAN CANCER, SUSCEPTIBILITY TO; BRCA1 Hereditary Breast and Ovarian Cancer. Identifiers: Orphanet 145, MedGen C2676676, MONDO:0011450, OMIM 604370. Disease mechanism: loss of function.

Allele frequency attached by ClinVar (database versions not stated): gnomAD exomes below 0.00001; ExAC 0.00001; gnomAD 0.00001; TOPMed 0.00001.

Submissions (7):

Evidence-based Network for the Interpretation of Germline Mutant Alleles (ENIGMA)
Classification: Likely benign for Breast-ovarian cancer, familial, susceptibility to, 1. Last evaluated: 2017-06-29. Review status: reviewed by expert panel. Criteria: ENIGMA BRCA1/2 Classification Criteria (2017-06-29). Collection method: curation. Allele origin: germline.
Comment: Synonymous substitution variant, with low bioinformatic likelihood to result in a splicing aberration (Splicing prior probability 0.02).

Labcorp Genetics (formerly Invitae), Labcorp
Classification: Likely benign for Hereditary breast ovarian cancer syndrome. Last evaluated: 2026-01-19. Review status: criteria provided, single submitter. Criteria: Invitae Variant Classification Sherloc (09022015). Collection method: clinical testing. Allele origin: germline. Not counted in ClinVar's aggregate classification.

Genetic Services Laboratory, University of Chicago
Classification: Likely benign. Last evaluated: 2020-08-08. Review status: criteria provided, single submitter. Criteria: ACMG Guidelines, 2015. Collection method: clinical testing. Allele origin: germline. Affected: no. Not counted in ClinVar's aggregate classification.

Women's Health and Genetics/Laboratory Corporation of America, LabCorp
Classification: Likely benign. Last evaluated: 2019-08-21. Review status: criteria provided, single submitter. Criteria: LabCorp Variant Classification Summary - May 2015. Collection method: clinical testing. Allele origin: germline. Not counted in ClinVar's aggregate classification.

Color Diagnostics, LLC DBA Color Health
Classification: Likely benign for Hereditary cancer-predisposing syndrome. Last evaluated: 2017-04-03. Review status: criteria provided, single submitter. Criteria: ACMG Guidelines, 2015. Collection method: clinical testing. Allele origin: germline. Not counted in ClinVar's aggregate classification.

Ambry Genetics
Classification: Likely benign for Hereditary cancer-predisposing syndrome. Last evaluated: 2014-10-14. Review status: criteria provided, single submitter. Criteria: Ambry Variant Classification Scheme 2023. Collection method: clinical testing. Allele origin: germline. Not counted in ClinVar's aggregate classification.

PreventionGenetics, part of Exact Sciences
Classification: Likely benign for BRCA1-related condition. Last evaluated: 2023-08-09. Review status: no assertion criteria provided. Collection method: clinical testing. Allele origin: germline. Not counted in ClinVar's aggregate classification.
Comment: This variant is classified as likely benign based on ACMG/AMP sequence variant interpretation guidelines (Richards et al. 2015 PMID: 25741868, with internal and published modifications).

NM_007294.4(BRCA1):c.2920T>C (p.Leu974=)

Gene: BRCA1 (BRCA1 DNA repair associated; minus strand). Cytogenetic location: 17q21.31.
Variant type: single nucleotide variant.
Coding change: c.2920T>C on transcript NM_007294.4 (MANE Select); coding-DNA position 2920, T replaced by C.
Protein change: p.Leu974=; no amino-acid change (leucine 974 retained).
Molecular consequence: synonymous variant. On other transcripts: intron variant (137).
Genome position (GRCh38, 1-based): chr17:43,092,611, A>G on the plus strand (T>C on the coding strand, the complement: BRCA1 is on the minus strand). VCF-style: chr17-43092611-A-G. GRCh37 (hg19) VCF-style: chr17-41244628-A-G.
Other names: c.2779T>C, p.Leu927= (NM_001407729.1, NM_001407730.1, NM_001407731.1 and 29 more transcripts); c.2776T>C, p.Leu926= (NM_001407740.1, NM_001407741.1, NM_001407742.1 and 20 more transcripts); c.2707T>C, p.Leu903= (NM_001407853.1, NM_001407894.1, NM_001407895.1 and 9 more transcripts); c.2920T>C, p.Leu974= (NM_001407854.1, NM_001407858.1, NM_001407859.1 and 30 more transcripts); c.2917T>C, p.Leu973= (NM_001407860.1, NM_001407861.1, NM_001407587.1 and 22 more transcripts); c.2719T>C, p.Leu907= (NM_001407862.1); c.2797T>C, p.Leu933= (NM_001407863.1, NM_001407919.1, NM_001407937.1 and 19 more transcripts); c.2716T>C, p.Leu906= (NM_001407874.1, NM_001407875.1); and 41 more.
Identifiers: ClinVar variation 186738 (VCV000186738.27), dbSNP rs763845063, ClinGen allele CA001905.